The following is an entry in ClinVar:

ClinVar aggregate classification (germline): Likely benign. Review status: criteria provided, multiple submitters, no conflicts (2 of 4 stars). 3 submissions from 2 submitters: Likely benign (3). Last evaluated 2022-01-17.

Conditions:
Susceptibility to mononeuropathy of the median nerve, mild. Also called: CARPAL TUNNEL SYNDROME, SUSCEPTIBILITY TO. Identifiers: MedGen C3150596, MONDO:0013237, OMIM 613353.
Charcot-Marie-Tooth disease type 4C (CMT4C). Also called: CHARCOT-MARIE-TOOTH DISEASE, DEMYELINATING, AUTOSOMAL RECESSIVE, TYPE 4C; CMT 4C; Charcot-Marie-Tooth Neuropathy Type 4C (CMT4C); CHARCOT-MARIE-TOOTH DISEASE, DEMYELINATING, TYPE 4C; SH3TC2-Related Hereditary Motor and Sensory Neuropathy. Identifiers: Orphanet 99949, MedGen C1866636, MONDO:0011113, OMIM 601596.

Allele frequency attached by ClinVar (database versions not stated): 1000 Genomes Project 0.00180; 1000 Genomes Project 30x 0.00219; gnomAD 0.00306 and 0.00337; TOPMed 0.00357.
gnomAD v4.1: 460 of 152,298 alleles (0.3%); highest among the groups gnomAD compares: African/African-American, 1%; 1 homozygote.

Submissions (3):

GeneDx
Classification: Likely benign. Last evaluated: 2022-01-17. Review status: criteria provided, single submitter. Criteria: GeneDx Variant Classification Process June 2021. Collection method: clinical testing. Allele origin: germline. Affected: yes.
Comment: See Variant Classification Assertion Criteria.

Illumina Laboratory Services, Illumina
Classification: Likely benign for Charcot-Marie-Tooth disease type 4C. Last evaluated: 2018-01-13. Review status: criteria provided, single submitter. Criteria: ICSL Variant Classification Criteria 13 December 2019. Collection method: clinical testing. Allele origin: germline.
Comment: This variant was observed in the ICSL laboratory as part of a predisposition screen in an ostensibly healthy population. It had not been previously curated by ICSL or reported in the Human Gene Mutation Database (HGMD: prior to June 1st, 2018), and was therefore a candidate for classification through an automated scoring system. Utilizing variant allele frequency, disease prevalence and penetrance estimates, and inheritance mode, an automated score was calculated to assess if this variant is too frequent to cause the disease. Based on the score and internal cut-off values, a variant classified as likely benign is not then subjected to further curation. The score for this variant resulted in a classification of likely benign for this disease.

Illumina Laboratory Services, Illumina
Classification: Likely benign for Susceptibility to mononeuropathy of the median nerve, mild. Last evaluated: 2018-01-13. Review status: criteria provided, single submitter. Criteria: ICSL Variant Classification Criteria 13 December 2019. Collection method: clinical testing. Allele origin: germline.
Comment: the same text as in the submission from Illumina Laboratory Services, Illumina above.

NM_024577.4(SH3TC2):c.*6301C>T

Gene: SH3TC2 (SH3 domain and tetratricopeptide repeats 2; minus strand). Cytogenetic location: 5q32.
Variant type: single nucleotide variant.
Coding change: c.*6301C>T on transcript NM_024577.4 (MANE Select); 6301 bases downstream of the stop codon, C replaced by T.
Molecular consequence: 3 prime UTR variant.
Genome position (GRCh38, 1-based): chr5:148,998,410, G>A on the plus strand (C>T on the coding strand, the complement: SH3TC2 is on the minus strand). VCF-style: chr5-148998410-G-A. GRCh37 (hg19) VCF-style: chr5-148377973-G-A.
Identifiers: ClinVar variation 351793 (VCV000351793.6), dbSNP rs188143654, ClinGen allele CA10623286.